The following is an entry in ClinVar:

ClinVar aggregate classification (germline): Uncertain significance (1 of 4 stars; one submission).

Conditions:
Acute myeloid leukemia (AML). Also called: Leukemia, acute myeloid, somatic; Leukemia, acute myelogenous, somatic; Acute myeloid leukemia, adult; AML adult; Acute non-lymphocytic leukemia; Acute granulocytic leukemia. Identifiers: Orphanet 519, MedGen C0023467, MeSH D015470, MONDO:0018874, OMIM 601626, HP:0004808. Disease mechanism: Constitutively activated FLT3.

Submission:

Labcorp Genetics (formerly Invitae), Labcorp
Classification: Uncertain significance for Acute myeloid leukemia. Last evaluated: 2021-02-03. Review status: criteria provided, single submitter. Criteria: Invitae Variant Classification Sherloc (09022015). Collection method: clinical testing. Allele origin: germline.
Comment: The frequency data for this variant in the population databases is considered unreliable, as metrics indicate insufficient coverage at this position in the ExAC database. This sequence change replaces proline with threonine at codon 198 of the CEBPA protein (p.Pro198Thr). The proline residue is weakly conserved and there is a small physicochemical difference between proline and threonine. This variant has not been reported in the literature in individuals with CEBPA-related conditions. In summary, the available evidence is currently insufficient to determine the role of this variant in disease. Therefore, it has been classified as a Variant of Uncertain Significance. Algorithms developed to predict the effect of missense changes on protein structure and function (SIFT, PolyPhen-2, Align-GVGD) all suggest that this variant is likely to be tolerated, but these predictions have not been confirmed by published functional studies and their clinical significance is uncertain.

NM_004364.5(CEBPA):c.592C>A (p.Pro198Thr)

Gene: CEBPA (CCAAT enhancer binding protein alpha; minus strand). Cytogenetic location: 19q13.11.
Variant type: single nucleotide variant.
Coding change: c.592C>A on transcript NM_004364.5 (MANE Select); coding-DNA position 592, C replaced by A.
Protein change: p.Pro198Thr; replaces proline 198 with threonine.
Molecular consequence: missense variant.
Genome position (GRCh38, 1-based): chr19:33,301,823, G>T on the plus strand (C>A on the coding strand, the complement: CEBPA is on the minus strand). VCF-style: chr19-33301823-G-T. GRCh37 (hg19) VCF-style: chr19-33792729-G-T.
Other names: c.235C>A, p.Pro79Thr (NM_001285829.2); c.697C>A, p.Pro233Thr (NM_001287424.2); c.550C>A, p.Pro184Thr (NM_001287435.2); short protein forms P184T, P198T, P79T, P233T.
Identifiers: ClinVar variation 1439813 (VCV001439813.8), dbSNP rs2145261086, ClinGen allele CA405274623.